The following is an entry in ClinVar:

NM_206933.4(USH2A):c.9646C>A (p.Leu3216Met)

Gene: USH2A (usherin; minus strand). Cytogenetic location: 1q41.
Variant type: single nucleotide variant.
Coding change: c.9646C>A on transcript NM_206933.4 (MANE Select); coding-DNA position 9646, C replaced by A.
Protein change: p.Leu3216Met; replaces leucine 3216 with methionine.
Molecular consequence: missense variant.
Genome position (GRCh38, 1-based): chr1:215,813,829, G>T on the plus strand (C>A on the coding strand, the complement: USH2A is on the minus strand). VCF-style: chr1-215813829-G-T. GRCh37 (hg19) VCF-style: chr1-215987171-G-T.
Other names: short protein forms L3216M.
Identifiers: ClinVar variation 864111 (VCV000864111.10), dbSNP rs368240096, ClinGen allele CA1394247.

ClinVar aggregate classification (germline): Uncertain significance. Review status: criteria provided, multiple submitters, no conflicts (2 of 4 stars). 4 submissions from 4 submitters: Uncertain significance (3). 1 of the submissions does not count toward it. Last evaluated 2025-11-05.

Conditions:
Usher syndrome type 2A. Also called: USHER SYNDROME, TYPE IIA; RETINAL DISEASE IN USHER SYNDROME TYPE IIA, MODIFIER OF. Identifiers: Orphanet 231178, Orphanet 886, MedGen C1848634, MONDO:0010169, OMIM 276901.
USH2A-related disorder. Also called: USH2A-related condition; USH2A-related disorders. Identifiers: MedGen CN239332.

Allele frequency attached by ClinVar (database versions not stated): gnomAD exomes 0.00001.
gnomAD v4.1: 11 of 1,613,800 alleles (0.00068%); highest among the groups gnomAD compares: South Asian, 0.011%; no homozygotes.

Submissions (4):

PreventionGenetics, part of Exact Sciences
Classification: Uncertain significance for USH2A-related condition. Last evaluated: 2025-11-05. Review status: criteria provided, single submitter. Criteria: ACMG Guidelines, 2015. Collection method: clinical testing. Allele origin: germline.
Comment: The USH2A c.9646C>A variant is predicted to result in the amino acid substitution p.Leu3216Met. To our knowledge, this variant has not been reported in the literature. This variant is reported in 0.0098% of alleles in individuals of South Asian descent in gnomAD. At this time, the clinical significance of this variant is uncertain due to the absence of conclusive functional and genetic evidence.

Blueprint Genetics
Classification: Uncertain significance. Last evaluated: 2023-05-08. Review status: criteria provided, single submitter. Criteria: ACMG Guidelines, 2015. Collection method: clinical testing. Allele origin: germline.

Labcorp Genetics (formerly Invitae), Labcorp
Classification: Uncertain significance. Last evaluated: 2021-08-28. Review status: criteria provided, single submitter. Criteria: Invitae Variant Classification Sherloc (09022015). Collection method: clinical testing. Allele origin: germline.
Comment: This sequence change replaces leucine with methionine at codon 3216 of the USH2A protein (p.Leu3216Met). The leucine residue is highly conserved and there is a small physicochemical difference between leucine and methionine. This variant is present in population databases (rs368240096, ExAC 0.01%). This variant has not been reported in the literature in individuals affected with USH2A-related conditions. Algorithms developed to predict the effect of missense changes on protein structure and function (SIFT, PolyPhen-2, Align-GVGD) all suggest that this variant is likely to be tolerated. In summary, the available evidence is currently insufficient to determine the role of this variant in disease. Therefore, it has been classified as a Variant of Uncertain Significance.

Natera, Inc.
Classification: Uncertain significance for Usher syndrome type 2A. Last evaluated: 2020-11-20. Review status: no assertion criteria provided. Collection method: clinical testing. Allele origin: germline. Not counted in ClinVar's aggregate classification.